The following is an entry in ClinVar:

ClinVar aggregate classification (germline): Likely pathogenic (1 of 4 stars; one submission).

Conditions:
Mucopolysaccharidosis, MPS-II (MPS2). Also called: Hunter Syndrome; IDURONATE 2-SULFATASE DEFICIENCY; Mucopolysaccharidosis Type II; Mucopolysaccharidosis type 2; Attenuated MPS (subtype; formerly known as mild MPS II); Severe MPS II. Identifiers: Orphanet 580, Orphanet 79388, MedGen C0026705, MONDO:0010674, OMIM 309900.

Submission:

Laboratory of Diagnosis and Therapy of Lysosomal Disorders, University of Padova
Classification: Likely pathogenic for Mucopolysaccharidosis, MPS-II. Last evaluated: 2024-06-07. Review status: criteria provided, single submitter. Criteria: ACMG Guidelines, 2015. Collection method: literature only. Allele origin: germline. Affected: yes. Observed: 3 variant alleles.
Comment: De novo (PS2_Moderate), Absent from controls (or at low frequency) in gnomAD database (PM2_Moderate), Multiple lines of computational evidence support a deleterious effect (PP3_Supporting), Patient’s phenotype or family history highly specific for the disease (PP4_Strong)

Classification method: ACMG Guidelines [PMID:25741868] with modifications

Literature cited by the submitters: PubMed 1303211; PubMed 8281149; PubMed 8111411; PubMed 7887413.

NM_000202.8(IDS):c.1006_1006+1delinsTT

Genes: IDS (iduronate 2-sulfatase; minus strand), LOC106050102 (IDS recombination region; plus strand). Cytogenetic location: Xq28.
Variant type: Indel.
Coding change: c.1006_1006+1delinsTT on transcript NM_000202.8 (MANE Select); coding-DNA position 1006 through the canonical splice donor site of the intron after coding-DNA position 1006, GG replaced by TT.
Molecular consequence: splice donor variant.
Genome position (GRCh38, 1-based): chrX:149,490,313-149,490,314, CC replaced by AA on the plus strand (GG replaced by TT on the coding strand, the reverse complement: IDS is on the minus strand). VCF-style: chrX-149490313-CC-AA. GRCh37 (hg19) VCF-style: chrX-148571844-CC-AA.
Other names: c.736_736+1delinsTT (NM_001166550.4); c.1006_1006+1delinsTT (NM_006123.5).
Identifiers: ClinVar variation 3255909 (VCV003255909.2).